The following is an entry in ClinVar:

NM_001244008.2(KIF1A):c.629T>G (p.Met210Arg)

Gene: KIF1A (kinesin family member 1A; minus strand). Cytogenetic location: 2q37.3.
Variant type: single nucleotide variant.
Coding change: c.629T>G on transcript NM_001244008.2 (MANE Select); coding-DNA position 629, T replaced by G.
Protein change: p.Met210Arg; replaces methionine 210 with arginine.
Molecular consequence: missense variant.
Genome position (GRCh38, 1-based): chr2:240,785,080, A>C on the plus strand (T>G on the coding strand, the complement: KIF1A is on the minus strand). VCF-style: chr2-240785080-A-C. GRCh37 (hg19) VCF-style: chr2-241724497-A-C.
Other names: c.629T>G, p.Met210Arg (NM_001320705.2, NM_001330289.2, NM_001330290.2 and 20 more transcripts); short protein forms M210R.
Identifiers: ClinVar variation 3376669 (VCV003376669.1).

ClinVar aggregate classification (germline): Likely pathogenic (1 of 4 stars; one submission).

Conditions:
Intellectual disability, autosomal dominant 9 (NESCAVS). Also called: KIF1A-Related Neurodevelopmental Disorder; NESCAV SYNDROME. Identifiers: Orphanet 662367, MedGen C5393830, MONDO:0013656, OMIM 614255.

Submission:

Victorian Clinical Genetics Services, Murdoch Childrens Research Institute
Classification: Likely pathogenic for Intellectual disability, autosomal dominant 9. Last evaluated: 2021-05-06. Review status: criteria provided, single submitter. Criteria: ACMG Guidelines, 2015. Collection method: clinical testing. Allele origin: germline. Inheritance: Autosomal dominant inheritance.
Comment: Based on the classification scheme VCGS_Germline_v1.3.4, this variant is classified as Likely Pathogenic. Following criteria are met: 0103 - Dominant negative, loss of function and gain of function are known mechanisms of disease in this gene. Missense clustering within the kinesin domain with a dominant negative effect have been shown to cause NESCAV syndrome (PMID: 28970574). Both loss and gain of function mechanisms have been reported for variants causing spastic paraplesia (PMID: 31488895; 31455732), however neuropathy has only been reported to be caused by loss of function mutations (PMID: 22258533). (I) 0108 - This gene is known to be associated with both recessive and dominant disease. Both truncating and missense variants have been reported to each cause dominant and recessive disease. Missense variants found within the kinesin domain are likely to cause a dominant form of disease (PMID: 31488895; 31455732; 28970574). (I) 0200 - Variant is predicted to result in a missense amino acid change from methionine to arginine. (I) 0251 - This variant is heterozygous. (I) 0301 - Variant is absent from gnomAD (both v2 and v3). (SP) 0502 - Missense variant with conflicting in silico predictions and uninformative conservation. (I) 0603 - Missense variant in a region that is highly intolerant to missense variation (high constraint region in DECIPHER) within the kinesin motor domain (NCBI gene). (SP) 0705 - No comparable missense variants have previous evidence for pathogenicity. (I) 0807 - This variant has no previous evidence of pathogenicity. (I) 0905 - No published segregation evidence has been identified for this variant. (I) 1007 - No published functional evidence has been identified for this variant. (SP) Legend: (SP) - Supporting pathogenic, (I) - Information, (SB) - Supporting benign

Literature cited by the submitters: PubMed 22258533; PubMed 28970574; PubMed 31455732; PubMed 31488895.